The following is an entry in ClinVar:

NM_001035.3(RYR2):c.13079C>T (p.Ser4360Phe)

Genes: RYR2 (ryanodine receptor 2; plus strand), LOC126806068 (BRD4-independent group 4 enhancer GRCh37_chr1:237947411-237948610; plus strand). Cytogenetic location: 1q43.
Variant type: single nucleotide variant.
Coding change: c.13079C>T on transcript NM_001035.3 (MANE Select); coding-DNA position 13079, C replaced by T.
Protein change: p.Ser4360Phe; replaces serine 4360 with phenylalanine.
Molecular consequence: missense variant.
Genome position (GRCh38, 1-based): chr1:237,784,791, C>T. VCF-style: chr1-237784791-C-T. GRCh37 (hg19) VCF-style: chr1-237948091-C-T.
Other names: short protein forms S4360F.
Identifiers: ClinVar variation 860684 (VCV000860684.17), dbSNP rs982384666, ClinGen allele CA39828202.
Genomic context (GRCh38, chr1:237,784,791, plus strand): 5'-ATGAGGTTAGAGGAGATGGGGAGGAGGGAGAGAGGAAACCCCTGGAAGCCGCCCTGCCCT[C>T]CGAGGATCTGACCGACTTAAAGGAGCTGACAGAGGAAAGTGACCTTCTTTCGGACATCTT-3'
Protein context (NP_001026.2, residues 4350-4370): ERKPLEAALP[Ser4360Phe]EDLTDLKELT

ClinVar aggregate classification (germline): Uncertain significance. Review status: criteria provided, multiple submitters, no conflicts (2 of 4 stars). 5 submissions from 5 submitters: Uncertain significance (5). Last evaluated 2025-03-03.

Conditions:
Catecholaminergic polymorphic ventricular tachycardia (CVPT). Also called: Catecholamine-induced polymorphic ventricular tachycardia. Identifiers: Orphanet 3286, MedGen C5574922, MONDO:0017990.
Cardiomyopathy (CMYO). Also called: Cardiomyopathies. Identifiers: Orphanet 167848, MedGen C0878544, MONDO:0004994, HP:0001638. Inheritance: Various modes of inheritance.
Catecholaminergic polymorphic ventricular tachycardia 1. Also called: VENTRICULAR TACHYCARDIA, CATECHOLAMINERGIC POLYMORPHIC, 1, WITH OR WITHOUT ATRIAL DYSFUNCTION AND/OR DILATED CARDIOMYOPATHY; VENTRICULAR TACHYCARDIA, STRESS-INDUCED POLYMORPHIC 1; RYR2-Related Catecholaminergic Polymorphic Ventricular Tachycardia. Identifiers: Orphanet 3286, MedGen C1631597, MONDO:0011484, OMIM 604772.
Cardiovascular phenotype. Identifiers: MedGen CN230736.

Allele frequency attached by ClinVar (database versions not stated): TOPMed below 0.00001; gnomAD 0.00001.
gnomAD v4.1: 10 of 1,610,666 alleles (0.00062%); highest among the groups gnomAD compares: Non-Finnish European, 0.00076%; no homozygotes.

Submissions (5):

Labcorp Genetics (formerly Invitae), Labcorp
Classification: Uncertain significance for Catecholaminergic polymorphic ventricular tachycardia 1. Last evaluated: 2025-03-03. Review status: criteria provided, single submitter. Criteria: Invitae Variant Classification Sherloc (09022015). Collection method: clinical testing. Allele origin: germline.
Comment: This sequence change replaces serine, which is neutral and polar, with phenylalanine, which is neutral and non-polar, at codon 4360 of the RYR2 protein (p.Ser4360Phe). This variant is not present in population databases (gnomAD no frequency). This variant has not been reported in the literature in individuals affected with RYR2-related conditions. ClinVar contains an entry for this variant (Variation ID: 860684). Invitae Evidence Modeling of protein sequence and biophysical properties (such as structural, functional, and spatial information, amino acid conservation, physicochemical variation, residue mobility, and thermodynamic stability) indicates that this missense variant is not expected to disrupt RYR2 protein function with a negative predictive value of 95%. In summary, the available evidence is currently insufficient to determine the role of this variant in disease. Therefore, it has been classified as a Variant of Uncertain Significance.

All of Us Research Program, National Institutes of Health
Classification: Uncertain significance for Catecholaminergic polymorphic ventricular tachycardia. Last evaluated: 2024-02-22. Review status: criteria provided, single submitter. Criteria: ACMG Guidelines, 2015. Collection method: clinical testing. Allele origin: germline. Inheritance: Autosomal dominant inheritance. Observed: 2 variant alleles, 2 heterozygotes.
Comment: This missense variant replaces serine with phenylalanine at codon 4360 of the RYR2 protein. Computational prediction suggests that this variant may not impact protein structure and function (internally defined REVEL score threshold <= 0.5, PMID: 27666373). To our knowledge, functional studies have not been reported for this variant. This variant has not been reported in individuals affected with RYR2-related disorders in the literature. This variant has not been identified in the general population by the Genome Aggregation Database (gnomAD). The available evidence is insufficient to determine the role of this variant in disease conclusively. Therefore, this variant is classified as a Variant of Uncertain Significance.

This study involves interpretation of variants in research participants for the purpose of population health screening. Participant phenotype was not available at the time of variant classification. Additional details can be found in publication PMID: 35346344, PMCID: PMC8962531

Color Diagnostics, LLC DBA Color Health
Classification: Uncertain significance for Cardiomyopathy. Last evaluated: 2024-02-14. Review status: criteria provided, single submitter. Criteria: ACMG Guidelines, 2015. Collection method: clinical testing. Allele origin: germline.
Comment: This missense variant replaces serine with phenylalanine at codon 4360 of the RYR2 protein. Computational prediction suggests that this variant may not impact protein structure and function (internally defined REVEL score threshold <= 0.5, PMID: 27666373). To our knowledge, functional studies have not been reported for this variant. This variant has not been reported in individuals affected with RYR2-related disorders in the literature. This variant has not been identified in the general population by the Genome Aggregation Database (gnomAD). The available evidence is insufficient to determine the role of this variant in disease conclusively. Therefore, this variant is classified as a Variant of Uncertain Significance.

Ambry Genetics
Classification: Uncertain significance for Cardiovascular phenotype. Last evaluated: 2023-07-05. Review status: criteria provided, single submitter. Criteria: Ambry Variant Classification Scheme 2023. Collection method: clinical testing. Allele origin: germline.
Comment: The p.S4360F variant (also known as c.13079C>T), located in coding exon 90 of the RYR2 gene, results from a C to T substitution at nucleotide position 13079. The serine at codon 4360 is replaced by phenylalanine, an amino acid with highly dissimilar properties. This amino acid position is not well conserved in available vertebrate species. In addition, the in silico prediction for this alteration is inconclusive. Since supporting evidence is limited at this time, the clinical significance of this alteration remains unclear.

GeneDx
Classification: Uncertain significance. Last evaluated: 2023-05-30. Review status: criteria provided, single submitter. Criteria: GeneDx Variant Classification Process June 2021. Collection method: clinical testing. Allele origin: germline. Affected: yes.
Comment: Located in one of the three hot-spot regions of the RYR2 gene, where the majority of pathogenic missense variants occur (Medeiros-Domingo et al., 2009); Not observed at significant frequency in large population cohorts (gnomAD); In silico analysis supports that this missense variant does not alter protein structure/function; Has not been previously published as pathogenic or benign to our knowledge